The following is an entry in ClinVar:

ClinVar aggregate classification (germline): Pathogenic/Likely pathogenic. Review status: criteria provided, multiple submitters, no conflicts (2 of 4 stars). 3 submissions from 3 submitters: Pathogenic (2); Likely pathogenic (1). Last evaluated 2025-02-20.

Conditions:
Brown-Vialetto-van Laere syndrome 1. Also called: BROWN-VIALETTO-VAN LAERE SYNDROME 1, MILD; BULBAR PALSY, PROGRESSIVE, WITH SENSORINEURAL DEAFNESS; PONTOBULBAR PALSY WITH DEAFNESS. Identifiers: Orphanet 572550, Orphanet 97229, MedGen C0796274, MONDO:0024537, OMIM 211530.
Inborn genetic diseases. Identifiers: MedGen C0950123, MeSH D030342.

Submissions (3):

Labcorp Genetics (formerly Invitae), Labcorp
Classification: Pathogenic for Brown-Vialetto-van Laere syndrome 1. Last evaluated: 2025-02-20. Review status: criteria provided, single submitter. Criteria: Invitae Variant Classification Sherloc (09022015). Collection method: clinical testing. Allele origin: germline.
Comment: This sequence change creates a premature translational stop signal (p.Val252Trpfs*37) in the SLC52A3 gene. It is expected to result in an absent or disrupted protein product. Loss-of-function variants in SLC52A3 are known to be pathogenic (PMID: 20206331, 22824638, 25462087). This variant is not present in population databases (gnomAD no frequency). This variant has not been reported in the literature in individuals affected with SLC52A3-related conditions. ClinVar contains an entry for this variant (Variation ID: 623230). For these reasons, this variant has been classified as Pathogenic.

Ambry Genetics
Classification: Pathogenic for Inborn genetic diseases. Last evaluated: 2024-07-01. Review status: criteria provided, single submitter. Criteria: Ambry Variant Classification Scheme 2023. Collection method: clinical testing. Allele origin: germline.
Comment: The c.753delC (p.V252Wfs*37) alteration, located in exon 3 (coding exon 2) of the SLC52A3 gene, consists of a deletion of one nucleotide at position 753, causing a translational frameshift with a predicted alternate stop codon after 37 amino acids. This alteration is expected to result in loss of function by premature protein truncation or nonsense-mediated mRNA decay. This variant was not reported in population-based cohorts in the Genome Aggregation Database (gnomAD). Based on the available evidence, this alteration is classified as pathogenic.

Molecular Diagnostics Laboratory, M Health Fairview: University of Minnesota
Classification: Likely pathogenic for Brown-Vialetto-van Laere syndrome 1. Last evaluated: 2016-09-16. Review status: criteria provided, single submitter. Criteria: ACMG Guidelines, 2015. Collection method: clinical testing. Allele origin: germline. Affected: yes. Observed: 1 variant allele.

Literature cited by the submitters: PubMed 20206331 (cited by Labcorp Genetics (formerly Invitae), Labcorp and Molecular Diagnostics Laboratory, M Health Fairview: University of Minnesota); PubMed 22824638 (cited by Labcorp Genetics (formerly Invitae), Labcorp); PubMed 25462087 (cited by Labcorp Genetics (formerly Invitae), Labcorp).

NM_033409.4(SLC52A3):c.753del (p.Val252fs)

Gene: SLC52A3 (solute carrier family 52 member 3; minus strand). Cytogenetic location: 20p13.
Variant type: Deletion.
Coding change: c.753del on transcript NM_033409.4 (MANE Select); coding-DNA position 753, one base deleted (C; older notation c.753delC).
Protein change: p.Val252fs; shifts the reading frame from valine 252.
Molecular consequence: frameshift variant.
Genome position (GRCh38, 1-based): chr20:763,818, G deleted on the plus strand (C on the coding strand, the reverse complement: SLC52A3 is on the minus strand); the first of 2 consecutive G bases (chr20:763,818-763,819); deleting either gives the same sequence. VCF-style (leftmost placement, unchanged base first): chr20-763817-CG-C. GRCh37 (hg19) VCF-style: chr20-744461-CG-C.
Other names: c.753del, p.Val252fs (NM_001370085.1, NM_001370086.1); c.753del (NM_033409.3); short protein forms V252fs.
Identifiers: ClinVar variation 623230 (VCV000623230.11), dbSNP rs1568721373, ClinGen allele CA913190710.